The following is an entry in ClinVar:

ClinVar aggregate classification (germline): Uncertain significance (1 of 4 stars; one submission).

gnomAD v4.1: 3 of 1,209,607 alleles (0.00025%); highest among the groups gnomAD compares: African/African-American, 0.0018%; no homozygotes.

Submission:

Labcorp Genetics (formerly Invitae), Labcorp
Classification: Uncertain significance. Last evaluated: 2025-08-04. Review status: criteria provided, single submitter. Criteria: Invitae Variant Classification Sherloc (09022015). Collection method: clinical testing. Allele origin: germline.
Comment: This sequence change replaces serine, which is neutral and polar, with threonine, which is neutral and polar, at codon 399 of the STS protein (p.Ser399Thr). This variant is present in population databases (rs760275320, gnomAD 0.01%). This variant has not been reported in the literature in individuals affected with STS-related conditions. Invitae Evidence Modeling of protein sequence and biophysical properties (such as structural, functional, and spatial information, amino acid conservation, physicochemical variation, residue mobility, and thermodynamic stability) indicates that this missense variant is not expected to disrupt STS protein function with a negative predictive value of 80%. In summary, the available evidence is currently insufficient to determine the role of this variant in disease. Therefore, it has been classified as a Variant of Uncertain Significance.

NM_001320752.2(STS):c.1181G>C (p.Ser394Thr)

Gene: STS (steroid sulfatase; plus strand). Cytogenetic location: Xp22.31.
Variant type: single nucleotide variant.
Coding change: c.1181G>C on transcript NM_001320752.2 (MANE Select); coding-DNA position 1181, G replaced by C.
Protein change: p.Ser394Thr; replaces serine 394 with threonine.
Molecular consequence: missense variant.
Genome position (GRCh38, 1-based): chrX:7,325,438, G>C. VCF-style: chrX-7325438-G-C. GRCh37 (hg19) VCF-style: chrX-7243479-G-C.
Other names: c.1181G>C, p.Ser394Thr (NM_000351.7, NM_001320753.2, NM_001320754.2); c.1217G>C, p.Ser406Thr (NM_001320750.3, NM_001320751.2); short protein forms S394T, S406T.
Identifiers: ClinVar variation 4701221 (VCV004701221.1).